The following is an entry in ClinVar:

ClinVar aggregate classification (germline): Pathogenic/Likely pathogenic. Review status: criteria provided, multiple submitters, no conflicts (2 of 4 stars). 6 submissions from 6 submitters: Pathogenic (4); Likely pathogenic (1). 1 of the submissions does not count toward it. Last evaluated 2025-11-05.

Conditions:
CNGB3-related disorder. Also called: CNGB3-related disorders; CNGB3-related condition. Identifiers: MedGen CN239340.
Achromatopsia. Also called: Rod monochromatism. Identifiers: Orphanet 49382, MedGen C0152200, MONDO:0018852, HP:0011516.
Achromatopsia 3 (ACHM3). Also called: PINGELAPESE BLINDNESS; ACHROMATOPSIA WITH MYOPIA; TOTAL COLORBLINDNESS WITH MYOPIA; ROD MONOCHROMACY 1; ROD MONOCHROMATISM 1. Identifiers: Orphanet 49382, MedGen C1849792, MONDO:0009875, OMIM 262300.

Allele frequency attached by ClinVar (database versions not stated): gnomAD 0.00001; gnomAD exomes 0.00001.

Submissions (6):

Labcorp Genetics (formerly Invitae), Labcorp
Classification: Pathogenic. Last evaluated: 2025-11-05. Review status: criteria provided, single submitter. Criteria: Invitae Variant Classification Sherloc (09022015). Collection method: clinical testing. Allele origin: germline.
Comment: This sequence change affects the initiator codon of the CNGB3 mRNA. This change may impact translation initiation or efficiency. The next in-frame methionine is located at codon 104 . This variant is not present in population databases (gnomAD no frequency). Disruption of the initiator codon has been observed in individual(s) with CNGB3-related disorders (PMID: 28795510, 35119454). In at least one individual the data is consistent with being in trans (on the opposite chromosome) from a pathogenic variant. ClinVar contains an entry for this variant (Variation ID: 427669). For these reasons, this variant has been classified as Pathogenic.

Natera, Inc.
Classification: Pathogenic for Achromatopsia. Last evaluated: 2024-10-04. Review status: criteria provided, single submitter. Criteria: Natera Variant Classification Schema (03/2026). Collection method: clinical testing. Allele origin: germline.
Comment: The c.2T>C variant in CNGB3 is predicted to result in start loss due to disruption of the initiator methionine. This variant is expected to result in nonsense mediated decay, truncation, or a dysfunctional protein product. This variant is rare in the general population with a frequency below the threshold expected for the associated phenotype(s). This variant has been observed in one or more individuals affected with the associated recessive disease, as either homozygous or compound heterozygous with a second variant (PMID: 31544997, 28795510, 37372476). Given the available evidence, this variant is classified as Pathogenic.

Blueprint Genetics
Classification: Pathogenic for CNGB3-related disorders. Last evaluated: 2024-01-09. Review status: criteria provided, single submitter. Criteria: ACMG Guidelines, 2015. Collection method: clinical testing. Allele origin: germline. Affected: yes. Observed: 4 variant alleles.

Fulgent Genetics
Classification: Likely pathogenic for Achromatopsia 3. Last evaluated: 2022-01-22. Review status: criteria provided, single submitter. Criteria: ACMG Guidelines, 2015. Collection method: clinical testing. Allele origin: unknown.

Mendelics
Classification: Pathogenic for Achromatopsia 3. Last evaluated: 2019-05-28. Review status: criteria provided, single submitter. Criteria: Mendelics Assertion Criteria 2017. Collection method: clinical testing. Allele origin: unknown.

Molecular Genetics Laboratory, Institute for Ophthalmic Research
Classification: Pathogenic for ACHM3. Last evaluated: 2017-03-27. Review status: no assertion criteria provided. Collection method: research. Allele origin: germline. Affected: yes. Not counted in ClinVar's aggregate classification.

Literature cited by the submitters: PubMed 28795510 (cited by 3 submitters); PubMed 35119454 (cited by Labcorp Genetics (formerly Invitae), Labcorp); PubMed 31544997 (cited by Natera, Inc.); PubMed 37372476 (cited by Natera, Inc.).

NM_019098.5(CNGB3):c.2T>C (p.Met1Thr)

Gene: CNGB3 (cyclic nucleotide gated channel subunit beta 3; minus strand). Cytogenetic location: 8q21.3.
Variant type: single nucleotide variant.
Coding change: c.2T>C on transcript NM_019098.5 (MANE Select); coding-DNA position 2, T replaced by C.
Protein change: p.Met1Thr; changes the start codon (methionine 1).
Molecular consequence: missense variant, initiator codon variant.
Genome position (GRCh38, 1-based): chr8:86,743,626, A>G on the plus strand (T>C on the coding strand, the complement: CNGB3 is on the minus strand). VCF-style: chr8-86743626-A-G. GRCh37 (hg19) VCF-style: chr8-87755854-A-G.
Other names: short protein forms M1T.
Identifiers: ClinVar variation 427669 (VCV000427669.10), dbSNP rs1554619514, ClinGen allele CA371452944.
Genomic context (GRCh38, chr8:86,743,626, plus strand): 5'-TCATTCTCATTGTTCTCTCCTATAGGCTTCACCTTGTTGACTTTTGTCAGCGATTTAAAC[A>G]TCTTCTCTGAGGTGGTTCTGAAAACCCTCTGTATTTATGACTGTGCCTTAAGGTAGAGAA-3'
Protein context (NP_061971.3, residues 1-11): [Met1Thr]FKSLTKVNKV